The following is an entry in ClinVar:

NM_000288.4(PEX7):c.63C>G (p.Ala21=)

Gene: PEX7 (peroxisomal biogenesis factor 7; plus strand). Cytogenetic location: 6q23.3.
Variant type: single nucleotide variant.
Coding change: c.63C>G on transcript NM_000288.4 (MANE Select); coding-DNA position 63, C replaced by G.
Protein change: p.Ala21=; no amino-acid change (alanine 21 retained).
Molecular consequence: synonymous variant.
Genome position (GRCh38, 1-based): chr6:136,822,728, C>G. VCF-style: chr6-136822728-C-G. GRCh37 (hg19) VCF-style: chr6-137143866-C-G.
Other names: c.63C>G (NM_000288.3).
Identifiers: ClinVar variation 1117788 (VCV001117788.11), dbSNP rs935581914, ClinGen allele CA148640678.
Genomic context (GRCh38, chr6:136,822,728, plus strand): 5'-GAGTGCGGTGTGCGGTGGAGCGGCGCGGATGCTGCGGACGCCGGGACGCCACGGCTACGC[C>G]GCCGAGTTCTCCCCGTACCTGCCGGGCCGCCTGGCCTGCGCCACCGCGCAGCACTACGGC-3'
Protein context (NP_000279.1, residues 11-31): MLRTPGRHGY[Ala21=]AEFSPYLPGR

ClinVar aggregate classification (germline): Likely benign. Review status: criteria provided, multiple submitters, no conflicts (2 of 4 stars). 3 submissions from 3 submitters: Likely benign (3). Last evaluated 2025-12-14.

Conditions:
PEX7-related disorder. Also called: PEX7-related disorders; PEX7-related condition. Identifiers: MedGen CN239409.
Inborn genetic diseases. Identifiers: MedGen C0950123, MeSH D030342.
Peroxisome biogenesis disorder 9B. Also called: PEX7-Related Refsum Disease; PEROXISOME BIOGENESIS DISORDER, PEX7-RELATED, ATYPICAL; Refsum disease, adult, 2. Identifiers: Orphanet 773, MedGen C2749346, MONDO:0013945, OMIM 614879.

gnomAD v4.1: 33 of 1,513,132 alleles (0.0022%); highest among the groups gnomAD compares: Non-Finnish European, 0.0027%; no homozygotes.

Submissions (3):

PreventionGenetics, part of Exact Sciences
Classification: Likely benign for PEX7-related condition. Last evaluated: 2025-12-14. Review status: criteria provided, single submitter. Criteria: ACMG Guidelines, 2015. Collection method: clinical testing. Allele origin: germline.
Comment: This variant is classified as likely benign based on ACMG/AMP sequence variant interpretation guidelines (Richards et al. 2015 PMID: 25741868, with internal and published modifications).

Ambry Genetics
Classification: Likely benign for Inborn genetic diseases. Last evaluated: 2025-08-28. Review status: criteria provided, single submitter. Criteria: Ambry Variant Classification Scheme 2023. Collection method: clinical testing. Allele origin: germline.

Labcorp Genetics (formerly Invitae), Labcorp
Classification: Likely benign for Peroxisome biogenesis disorder 9B. Last evaluated: 2024-10-19. Review status: criteria provided, single submitter. Criteria: Invitae Variant Classification Sherloc (09022015). Collection method: clinical testing. Allele origin: germline.